The following is an entry in ClinVar:

NM_001042492.3(NF1):c.2051A>G (p.Gln684Arg)

Gene: NF1 (neurofibromin 1; plus strand). Cytogenetic location: 17q11.2.
Variant type: single nucleotide variant.
Coding change: c.2051A>G on transcript NM_001042492.3 (MANE Select); coding-DNA position 2051, A replaced by G.
Protein change: p.Gln684Arg; replaces glutamine 684 with arginine.
Molecular consequence: missense variant.
Genome position (GRCh38, 1-based): chr17:31,226,484, A>G. VCF-style: chr17-31226484-A-G. GRCh37 (hg19) VCF-style: chr17-29553502-A-G.
Other names: c.2051A>G, p.Gln684Arg (NM_000267.4); short protein forms Q684R.
Identifiers: ClinVar variation 3634507 (VCV003634507.2).

ClinVar aggregate classification (germline): Uncertain significance (1 of 4 stars; one submission).

Conditions:
Neurofibromatosis, type 1 (NF1). Also called: VON RECKLINGHAUSEN DISEASE; Peripheral type neurofibromatosis; NEUROFIBROMATOSIS, TYPE I, SOMATIC; Neurofibromatosis, type I. Identifiers: Orphanet 636, MedGen C0027831, MONDO:0018975, OMIM 162200. Disease mechanism: loss of function.

Submission:

Labcorp Genetics (formerly Invitae), Labcorp
Classification: Uncertain significance for Neurofibromatosis, type 1. Last evaluated: 2024-05-27. Review status: criteria provided, single submitter. Criteria: Invitae Variant Classification Sherloc (09022015). Collection method: clinical testing. Allele origin: germline.
Comment: This sequence change replaces glutamine, which is neutral and polar, with arginine, which is basic and polar, at codon 684 of the NF1 protein (p.Gln684Arg). This variant is not present in population databases (gnomAD no frequency). This variant has not been reported in the literature in individuals affected with NF1-related conditions. Advanced modeling of protein sequence and biophysical properties (such as structural, functional, and spatial information, amino acid conservation, physicochemical variation, residue mobility, and thermodynamic stability) has been performed at Invitae for this missense variant, however the output from this modeling did not meet the statistical confidence thresholds required to predict the impact of this variant on NF1 protein function. In summary, the available evidence is currently insufficient to determine the role of this variant in disease. Therefore, it has been classified as a Variant of Uncertain Significance.